The following is an entry in ClinVar:

ClinVar aggregate classification (germline): Uncertain significance. Review status: criteria provided, multiple submitters, no conflicts (2 of 4 stars). 2 submissions from 2 submitters: Uncertain significance (2). Last evaluated 2024-09-20.

Conditions:
Primary ciliary dyskinesia 5. Also called: CILIARY DYSKINESIA, PRIMARY, 5, WITHOUT SITUS INVERSUS. Identifiers: Orphanet 244, MedGen C1837615, MONDO:0012088, OMIM 608647.

Allele frequency attached by ClinVar (database versions not stated): gnomAD 0.00056 and 0.00048; ESP Exome Variant Server 0.00082; ExAC 0.00023; gnomAD exomes 0.00012; 1000 Genomes Project 30x 0.00031; 1000 Genomes Project 0.00040.
gnomAD v4.1: 133 of 1,612,182 alleles (0.0082%); highest among the groups gnomAD compares: African/African-American, 0.17%; 1 homozygote.

Submissions (2):

GeneDx
Classification: Uncertain significance. Last evaluated: 2024-09-20. Review status: criteria provided, single submitter. Criteria: GeneDx Variant Classification Process June 2021. Collection method: clinical testing. Allele origin: germline.
Comment: In silico analysis indicates that this missense variant does not alter protein structure/function; Has not been previously published as pathogenic or benign to our knowledge

New York Genome Center
Classification: Uncertain significance for Primary ciliary dyskinesia 5. Last evaluated: 2020-06-26. Review status: criteria provided, single submitter. Criteria: NYGC Assertion Criteria 2020. Collection method: clinical testing. Allele origin: inherited. Observed: 1 compound heterozygote. Study: CSER-NYCKidSeq.
Comment: The inherited c.6557G>C (p.Gly2186Ala) variant identified in the HYDIN gene substitutes a conserved Glycine for Alanine at amino acid 2186/5122 (exon 42/86). This variant is found in 78 heterozygotes in gnomAD(v3.0) (0 homozygotes), with an allele frequency of 5.45e-4. In silico algorithms predict this variant to be Neutral (Provean; score:-0.71) and Tolerated (SIFT; score: 1.0) to the function of the canonical transcript. This variant is absent from ClinVar and to our current knowledge has not been reported in affected individuals in the literature. The p.Gly2186 residue is not within a mapped domain of HYDIN (UniProtKB:Q4G0P3). Given the lack of compelling evidence for its pathogenicity, the inherited c.6557G>C (p.Gly2186Ala) variant identified in the HYDIN gene is reported as a Variant of Uncertain Significance.

NM_001270974.2(HYDIN):c.6557G>C (p.Gly2186Ala)

Gene: HYDIN (HYDIN axonemal central pair apparatus protein; minus strand). Cytogenetic location: 16q22.2.
Variant type: single nucleotide variant.
Coding change: c.6557G>C on transcript NM_001270974.2 (MANE Select); coding-DNA position 6557, G replaced by C.
Protein change: p.Gly2186Ala; replaces glycine 2186 with alanine.
Molecular consequence: missense variant.
Genome position (GRCh38, 1-based): chr16:70,943,924, C>G on the plus strand (G>C on the coding strand, the complement: HYDIN is on the minus strand). VCF-style: chr16-70943924-C-G. GRCh37 (hg19) VCF-style: chr16-70977827-C-G.
Other names: c.6557G>C (NM_001270974.1); short protein forms G2186A.
Identifiers: ClinVar variation 1184350 (VCV001184350.4), dbSNP rs191539779, ClinGen allele CA8150244.